The following is an entry in ClinVar:

NM_000257.4(MYH7):c.639G>C (p.Lys213Asn)

Gene: MYH7 (myosin heavy chain 7; minus strand). Cytogenetic location: 14q11.2.
Variant type: single nucleotide variant.
Coding change: c.639G>C on transcript NM_000257.4 (MANE Select); coding-DNA position 639, G replaced by C.
Protein change: p.Lys213Asn; replaces lysine 213 with asparagine.
Molecular consequence: missense variant.
Genome position (GRCh38, 1-based): chr14:23,431,761, C>G on the plus strand (G>C on the coding strand, the complement: MYH7 is on the minus strand). VCF-style: chr14-23431761-C-G. GRCh37 (hg19) VCF-style: chr14-23900970-C-G.
Other names: short protein forms K213N.
Identifiers: ClinVar variation 924445 (VCV000924445.3), dbSNP rs1892953374, ClinGen allele CA389052366.

ClinVar aggregate classification (germline): Uncertain significance (1 of 4 stars; one submission).

Conditions:
Cardiomyopathy (CMYO). Also called: Cardiomyopathies. Identifiers: Orphanet 167848, MedGen C0878544, MONDO:0004994, HP:0001638. Inheritance: Various modes of inheritance.

Allele frequency attached by ClinVar (database versions not stated): gnomAD exomes below 0.00001.
gnomAD v4.1: 1 of 1,614,254 alleles (0.000062%); highest among the groups gnomAD compares: Non-Finnish European, 0.000085%; no homozygotes.

Submission:

Color Diagnostics, LLC DBA Color Health
Classification: Uncertain significance for Cardiomyopathy. Last evaluated: 2019-05-22. Review status: criteria provided, single submitter. Criteria: ACMG Guidelines, 2015. Collection method: clinical testing. Allele origin: germline.
Comment: This missense variant replaces lysine with asparagine at codon 213 of the MYH7 protein. Computational prediction tools and conservation analyses are inconclusive regarding the impact of this variant on the protein function. This variant alters the conserved c.G at the last nucleotide position of exon 7 and is predicted to have impact on RNA splicing by multiple computational splicing tools. To our knowledge, functional assays have not been performed for this variant nor has this variant been reported in individuals affected with cardiovascular disorders in the literature. This variant has not been identified in the general population by the Genome Aggregation Database (gnomAD). Available evidence is insufficient to determine the role of this variant in disease conclusively. Therefore, this variant is classified as a Variant of Uncertain Significance.